The following is an entry in ClinVar:

NM_001367479.1(DNAH14):c.6757C>A (p.Leu2253Ile)

Gene: DNAH14 (dynein axonemal heavy chain 14; plus strand). Cytogenetic location: 1q42.12.
Variant type: single nucleotide variant.
Coding change: c.6757C>A on transcript NM_001367479.1 (MANE Select); coding-DNA position 6757, C replaced by A.
Protein change: p.Leu2253Ile; replaces leucine 2253 with isoleucine.
Molecular consequence: missense variant.
Genome position (GRCh38, 1-based): chr1:225,252,309, C>A. VCF-style: chr1-225252309-C-A. GRCh37 (hg19) VCF-style: chr1-225440011-C-A.
Other names: NM_001373.1:c.6739C>A; short protein forms L2253I.
Identifiers: ClinVar variation 2313720 (VCV002313720.3), dbSNP rs376690622, ClinGen allele CA1416264.

ClinVar aggregate classification (germline): Uncertain significance. Review status: criteria provided, multiple submitters, no conflicts (2 of 4 stars). 2 submissions from 2 submitters: Uncertain significance (2). Last evaluated 2024-09-15.

Allele frequency attached by ClinVar (database versions not stated): ExAC 0.00037; ESP Exome Variant Server 0.00066; gnomAD 0.00072; 1000 Genomes Project 30x 0.00078; 1000 Genomes Project 0.00080.
gnomAD v4.1: 219 of 1,544,770 alleles (0.014%); highest among the groups gnomAD compares: African/African-American, 0.26%; 1 homozygote.

Submissions (2):

GeneDx
Classification: Uncertain significance. Last evaluated: 2024-09-15. Review status: criteria provided, single submitter. Criteria: GeneDx Variant Classification Process June 2021. Collection method: clinical testing. Allele origin: germline. Affected: yes.
Comment: In silico analysis indicates that this missense variant does not alter protein structure/function; Has not been previously published as pathogenic or benign to our knowledge

Ambry Genetics
Classification: Uncertain significance. Last evaluated: 2022-06-03. Review status: criteria provided, single submitter. Criteria: Ambry Variant Classification Scheme 2023. Collection method: clinical testing. Allele origin: germline.